The following is an entry in ClinVar:

NM_000428.3(LTBP2):c.389A>C (p.Gln130Pro)

Gene: LTBP2 (latent transforming growth factor beta binding protein 2; minus strand). Cytogenetic location: 14q24.3.
Variant type: single nucleotide variant.
Coding change: c.389A>C on transcript NM_000428.3 (MANE Select); coding-DNA position 389, A replaced by C.
Protein change: p.Gln130Pro; replaces glutamine 130 with proline.
Molecular consequence: missense variant.
Genome position (GRCh38, 1-based): chr14:74,611,556, T>G on the plus strand (A>C on the coding strand, the complement: LTBP2 is on the minus strand). VCF-style: chr14-74611556-T-G. GRCh37 (hg19) VCF-style: chr14-75078259-T-G.
Other names: short protein forms Q130P.
Identifiers: ClinVar variation 1349126 (VCV001349126.6), dbSNP rs2139815506, ClinGen allele CA390387750.

ClinVar aggregate classification (germline): Uncertain significance (1 of 4 stars; one submission).

gnomAD v4.1: 1 of 1,574,466 alleles (0.000064%); highest among the groups gnomAD compares: Non-Finnish European, 0.000086%; no homozygotes.

Submission:

Labcorp Genetics (formerly Invitae), Labcorp
Classification: Uncertain significance. Last evaluated: 2021-11-03. Review status: criteria provided, single submitter. Criteria: Invitae Variant Classification Sherloc (09022015). Collection method: clinical testing. Allele origin: germline.
Comment: This variant is not present in population databases (gnomAD no frequency). In summary, the available evidence is currently insufficient to determine the role of this variant in disease. Therefore, it has been classified as a Variant of Uncertain Significance. Algorithms developed to predict the effect of missense changes on protein structure and function output the following: SIFT: "Deleterious"; PolyPhen-2: "Benign"; Align-GVGD: "Class C65". The proline amino acid residue is found in multiple mammalian species, which suggests that this missense change does not adversely affect protein function. This variant has not been reported in the literature in individuals affected with LTBP2-related conditions. This sequence change replaces glutamine, which is neutral and polar, with proline, which is neutral and non-polar, at codon 130 of the LTBP2 protein (p.Gln130Pro).